The following is an entry in ClinVar:

ClinVar aggregate classification (germline): Uncertain significance (1 of 4 stars; one submission).

Conditions:
Transcobalamin II deficiency (TCN2D). Also called: Transcolabamin II deficiency; TC II DEFICIENCY; TCN2 DEFICIENCY. Identifiers: Orphanet 859, MedGen C0342701, MONDO:0010149, OMIM 275350.

Allele frequency attached by ClinVar (database versions not stated): gnomAD 0.00003; ExAC 0.00004; gnomAD exomes 0.00004; TOPMed 0.00005.
gnomAD v4.1: 60 of 1,614,046 alleles (0.0037%); highest among the groups gnomAD compares: Middle Eastern, 0.099%; no homozygotes.

Submission:

Labcorp Genetics (formerly Invitae), Labcorp
Classification: Uncertain significance for Transcobalamin II deficiency. Last evaluated: 2025-10-23. Review status: criteria provided, single submitter. Criteria: Invitae Variant Classification Sherloc (09022015). Collection method: clinical testing. Allele origin: germline.
Comment: This sequence change replaces arginine, which is basic and polar, with tryptophan, which is neutral and slightly polar, at codon 170 of the TCN2 protein (p.Arg170Trp). This variant is present in population databases (rs200135085, gnomAD 0.01%). This variant has not been reported in the literature in individuals affected with TCN2-related conditions. ClinVar contains an entry for this variant (Variation ID: 2189487). Invitae Evidence Modeling of protein sequence and biophysical properties (such as structural, functional, and spatial information, amino acid conservation, physicochemical variation, residue mobility, and thermodynamic stability) indicates that this missense variant is expected to disrupt TCN2 protein function with a positive predictive value of 80%. In summary, the available evidence is currently insufficient to determine the role of this variant in disease. Therefore, it has been classified as a Variant of Uncertain Significance.

NM_000355.4(TCN2):c.508C>T (p.Arg170Trp)

Gene: TCN2 (transcobalamin 2; plus strand). Cytogenetic location: 22q12.2.
Variant type: single nucleotide variant.
Coding change: c.508C>T on transcript NM_000355.4 (MANE Select); coding-DNA position 508, C replaced by T.
Protein change: p.Arg170Trp; replaces arginine 170 with tryptophan.
Molecular consequence: missense variant.
Genome position (GRCh38, 1-based): chr22:30,614,429, C>T. VCF-style: chr22-30614429-C-T. GRCh37 (hg19) VCF-style: chr22-31010416-C-T.
Other names: c.427C>T, p.Arg143Trp (NM_001184726.2); short protein forms R143W, R170W.
Identifiers: ClinVar variation 2189487 (VCV002189487.2), dbSNP rs200135085, ClinGen allele CA10184684.